The following is an entry in ClinVar:

NM_024529.5(CDC73):c.235G>A (p.Ala79Thr)

Gene: CDC73 (cell division cycle 73; plus strand). Cytogenetic location: 1q31.2.
Variant type: single nucleotide variant.
Coding change: c.235G>A on transcript NM_024529.5 (MANE Select); coding-DNA position 235, G replaced by A.
Protein change: p.Ala79Thr; replaces alanine 79 with threonine.
Molecular consequence: missense variant.
Genome position (GRCh38, 1-based): chr1:193,125,215, G>A. VCF-style: chr1-193125215-G-A. GRCh37 (hg19) VCF-style: chr1-193094345-G-A.
Other names: short protein forms A79T.
Identifiers: ClinVar variation 1716840 (VCV001716840.6), dbSNP rs2103114050, ClinGen allele CA343973253.

ClinVar aggregate classification (germline): Uncertain significance (1 of 4 stars; one submission).

Conditions:
Parathyroid carcinoma (PRTC). Also called: Parathyroid gland carcinoma; CDC73-Related Parathyroid Carcinoma. Identifiers: Orphanet 143, MedGen C0687150, MONDO:0012004, OMIM 608266, HP:0006780.

Submission:

Labcorp Genetics (formerly Invitae), Labcorp
Classification: Uncertain significance for Parathyroid carcinoma. Last evaluated: 2022-08-19. Review status: criteria provided, single submitter. Criteria: Invitae Variant Classification Sherloc (09022015). Collection method: clinical testing. Allele origin: germline.
Comment: This variant has not been reported in the literature in individuals affected with CDC73-related conditions. This sequence change replaces alanine, which is neutral and non-polar, with threonine, which is neutral and polar, at codon 79 of the CDC73 protein (p.Ala79Thr). This variant is not present in population databases (gnomAD no frequency). Algorithms developed to predict the effect of missense changes on protein structure and function are either unavailable or do not agree on the potential impact of this missense change (SIFT: "Tolerated"; PolyPhen-2: "Possibly Damaging"; Align-GVGD: "Class C0"). In summary, the available evidence is currently insufficient to determine the role of this variant in disease. Therefore, it has been classified as a Variant of Uncertain Significance.